The following is an entry in ClinVar:

NM_017802.4(DNAAF5):c.1108G>A (p.Asp370Asn)

Gene: DNAAF5 (dynein axonemal assembly factor 5; plus strand). Cytogenetic location: 7p22.3.
Variant type: single nucleotide variant.
Coding change: c.1108G>A on transcript NM_017802.4 (MANE Select); coding-DNA position 1108, G replaced by A.
Protein change: p.Asp370Asn; replaces aspartic acid 370 with asparagine.
Molecular consequence: missense variant. On other transcripts: non-coding transcript variant (1).
Genome position (GRCh38, 1-based): chr7:754,672, G>A. VCF-style: chr7-754672-G-A. GRCh37 (hg19) VCF-style: chr7-794309-G-A.
Other names: c.1108G>A (NM_017802.3); short protein forms D370N.
Identifiers: ClinVar variation 1429398 (VCV001429398.8), dbSNP rs200573334, ClinGen allele CA4110597.

ClinVar aggregate classification (germline): Uncertain significance. Review status: criteria provided, multiple submitters, no conflicts (2 of 4 stars). 2 submissions from 2 submitters: Uncertain significance (2). Last evaluated 2025-05-14.

Conditions:
Primary ciliary dyskinesia. Also called: Ciliary dyskinesia. Identifiers: Orphanet 244, MedGen C0008780, MONDO:0016575, HP:0012265.

Allele frequency attached by ClinVar (database versions not stated): gnomAD 0.00001; TOPMed 0.00003; 1000 Genomes Project 0.00020; 1000 Genomes Project 30x 0.00031.
gnomAD v4.1: 19 of 1,614,058 alleles (0.0012%); highest among the groups gnomAD compares: South Asian, 0.0044%; no homozygotes.

Submissions (2):

Ambry Genetics
Classification: Uncertain significance for Primary ciliary dyskinesia. Last evaluated: 2025-05-14. Review status: criteria provided, single submitter. Criteria: Ambry Variant Classification Scheme 2023. Collection method: clinical testing. Allele origin: germline.

Labcorp Genetics (formerly Invitae), Labcorp
Classification: Uncertain significance for Primary ciliary dyskinesia. Last evaluated: 2022-10-17. Review status: criteria provided, single submitter. Criteria: Invitae Variant Classification Sherloc (09022015). Collection method: clinical testing. Allele origin: germline.
Comment: This variant is present in population databases (rs200573334, gnomAD 0.009%). In summary, the available evidence is currently insufficient to determine the role of this variant in disease. Therefore, it has been classified as a Variant of Uncertain Significance. Advanced modeling of protein sequence and biophysical properties (such as structural, functional, and spatial information, amino acid conservation, physicochemical variation, residue mobility, and thermodynamic stability) performed at Invitae indicates that this missense variant is expected to disrupt DNAAF5 protein function. ClinVar contains an entry for this variant (Variation ID: 1429398). This variant has not been reported in the literature in individuals affected with DNAAF5-related conditions. This sequence change replaces aspartic acid, which is acidic and polar, with asparagine, which is neutral and polar, at codon 370 of the DNAAF5 protein (p.Asp370Asn).